The following is an entry in ClinVar:

NM_005876.5(SPEG):c.5309A>G (p.Asn1770Ser)

Gene: SPEG (striated muscle enriched protein kinase; plus strand). Cytogenetic location: 2q35.
Variant type: single nucleotide variant.
Coding change: c.5309A>G on transcript NM_005876.5 (MANE Select); coding-DNA position 5309, A replaced by G.
Protein change: p.Asn1770Ser; replaces asparagine 1770 with serine.
Molecular consequence: missense variant.
Genome position (GRCh38, 1-based): chr2:219,480,107, A>G. VCF-style: chr2-219480107-A-G. GRCh37 (hg19) VCF-style: chr2-220344829-A-G.
Other names: short protein forms N1770S.
Identifiers: ClinVar variation 1414389 (VCV001414389.8), dbSNP rs1692694885, ClinGen allele CA350688947.

ClinVar aggregate classification (germline): Uncertain significance (1 of 4 stars; one submission).

Allele frequency attached by ClinVar (database versions not stated): gnomAD 0.00001; gnomAD exomes 0.00001.
gnomAD v4.1: 10 of 1,613,826 alleles (0.00062%); highest among the groups gnomAD compares: Admixed American, 0.0017%; no homozygotes.

Submission:

Labcorp Genetics (formerly Invitae), Labcorp
Classification: Uncertain significance. Last evaluated: 2021-06-30. Review status: criteria provided, single submitter. Criteria: Invitae Variant Classification Sherloc (09022015). Collection method: clinical testing. Allele origin: germline.
Comment: In summary, the available evidence is currently insufficient to determine the role of this variant in disease. Therefore, it has been classified as a Variant of Uncertain Significance. Algorithms developed to predict the effect of missense changes on protein structure and function are either unavailable or do not agree on the potential impact of this missense change (SIFT: "Deleterious"; PolyPhen-2: "Possibly Damaging"; Align-GVGD: "Class C0"). This variant has not been reported in the literature in individuals affected with SPEG-related conditions. This variant is not present in population databases (ExAC no frequency). This sequence change replaces asparagine with serine at codon 1770 of the SPEG protein (p.Asn1770Ser). The asparagine residue is highly conserved and there is a small physicochemical difference between asparagine and serine.